The following is an entry in ClinVar:

NM_032520.5(GNPTG):c.298G>A (p.Ala100Thr)

Gene: GNPTG (N-acetylglucosamine-1-phosphate transferase subunit gamma; plus strand). Cytogenetic location: 16p13.3.
Variant type: single nucleotide variant.
Coding change: c.298G>A on transcript NM_032520.5 (MANE Select); coding-DNA position 298, G replaced by A.
Protein change: p.Ala100Thr; replaces alanine 100 with threonine.
Molecular consequence: missense variant.
Genome position (GRCh38, 1-based): chr16:1,361,936, G>A. VCF-style: chr16-1361936-G-A. GRCh37 (hg19) VCF-style: chr16-1411937-G-A.
Other names: short protein forms A100T.
Identifiers: ClinVar variation 1397706 (VCV001397706.3), dbSNP rs770325965, ClinGen allele CA7807592.

ClinVar aggregate classification (germline): Uncertain significance (1 of 4 stars; one submission).

Allele frequency attached by ClinVar (database versions not stated): ExAC 0.00001; gnomAD 0.00001; gnomAD exomes 0.00001 and 0.00002.

Submission:

Labcorp Genetics (formerly Invitae), Labcorp
Classification: Uncertain significance. Last evaluated: 2022-08-16. Review status: criteria provided, single submitter. Criteria: Invitae Variant Classification Sherloc (09022015). Collection method: clinical testing. Allele origin: germline.
Comment: This sequence change replaces alanine, which is neutral and non-polar, with threonine, which is neutral and polar, at codon 100 of the GNPTG protein (p.Ala100Thr). This variant is present in population databases (rs770325965, gnomAD 0.006%). This variant has not been reported in the literature in individuals affected with GNPTG-related conditions. ClinVar contains an entry for this variant (Variation ID: 1397706). Algorithms developed to predict the effect of missense changes on protein structure and function are either unavailable or do not agree on the potential impact of this missense change (SIFT: "Deleterious"; PolyPhen-2: "Possibly Damaging"; Align-GVGD: "Class C0"). In summary, the available evidence is currently insufficient to determine the role of this variant in disease. Therefore, it has been classified as a Variant of Uncertain Significance.